The following is an entry in ClinVar:

NM_001793.6(CDH3):c.2260A>G (p.Ile754Val)

Gene: CDH3 (cadherin 3; plus strand). Cytogenetic location: 16q22.1.
Variant type: single nucleotide variant.
Coding change: c.2260A>G on transcript NM_001793.6 (MANE Select); coding-DNA position 2260, A replaced by G.
Protein change: p.Ile754Val; replaces isoleucine 754 with valine.
Molecular consequence: missense variant.
Genome position (GRCh38, 1-based): chr16:68,695,903, A>G. VCF-style: chr16-68695903-A-G. GRCh37 (hg19) VCF-style: chr16-68729806-A-G.
Other names: c.2260A>G, p.Ile754Val (NM_001317195.3); c.2095A>G, p.Ile699Val (NM_001317196.2); c.2260A>G (NM_001793.4); short protein forms I699V, I754V.
Identifiers: ClinVar variation 937327 (VCV000937327.11), dbSNP rs200660177, ClinGen allele CA8129631.

ClinVar aggregate classification (germline): Uncertain significance. Review status: criteria provided, multiple submitters, no conflicts (2 of 4 stars). 2 submissions from 2 submitters: Uncertain significance (2). Last evaluated 2025-05-23.

Conditions:
Inborn genetic diseases. Identifiers: MedGen C0950123, MeSH D030342.

Allele frequency attached by ClinVar (database versions not stated): gnomAD 0.00001; ExAC 0.00002; gnomAD exomes 0.00002; TOPMed 0.00002; ESP Exome Variant Server 0.00008; 1000 Genomes Project 30x 0.00016; 1000 Genomes Project 0.00020.

Submissions (2):

Ambry Genetics
Classification: Uncertain significance for Inborn genetic diseases. Last evaluated: 2025-05-23. Review status: criteria provided, single submitter. Criteria: Ambry Variant Classification Scheme 2023. Collection method: clinical testing. Allele origin: germline.

Labcorp Genetics (formerly Invitae), Labcorp
Classification: Uncertain significance. Last evaluated: 2024-02-24. Review status: criteria provided, single submitter. Criteria: Invitae Variant Classification Sherloc (09022015). Collection method: clinical testing. Allele origin: germline.
Comment: This sequence change replaces isoleucine, which is neutral and non-polar, with valine, which is neutral and non-polar, at codon 754 of the CDH3 protein (p.Ile754Val). This variant is present in population databases (rs200660177, gnomAD 0.007%). This variant has not been reported in the literature in individuals affected with CDH3-related conditions. ClinVar contains an entry for this variant (Variation ID: 937327). Advanced modeling of protein sequence and biophysical properties (such as structural, functional, and spatial information, amino acid conservation, physicochemical variation, residue mobility, and thermodynamic stability) performed at Invitae indicates that this missense variant is not expected to disrupt CDH3 protein function with a negative predictive value of 80%. In summary, the available evidence is currently insufficient to determine the role of this variant in disease. Therefore, it has been classified as a Variant of Uncertain Significance.